The following is an entry in ClinVar:

NM_024700.4(SNIP1):c.499C>T (p.Arg167Ter)

Genes: SNIP1 (Smad nuclear interacting protein 1; minus strand), LOC126805704 (BRD4-independent group 4 enhancer GRCh37_chr1:38005292-38006491; plus strand). Cytogenetic location: 1p34.3.
Variant type: single nucleotide variant.
Coding change: c.499C>T on transcript NM_024700.4 (MANE Select); coding-DNA position 499, C replaced by T.
Protein change: p.Arg167Ter; replaces arginine 167 with a stop codon.
Molecular consequence: nonsense.
Genome position (GRCh38, 1-based): chr1:37,540,584, G>A on the plus strand (C>T on the coding strand, the complement: SNIP1 is on the minus strand). VCF-style: chr1-37540584-G-A. GRCh37 (hg19) VCF-style: chr1-38006185-G-A.
Other names: short protein forms R167*.
Identifiers: ClinVar variation 4810867 (VCV004810867.1).
Genomic context (GRCh38, chr1:37,540,584, plus strand): 5'-GTCGCCTGGCATTATAAAACTCCCGCTCTTCTTCCTGAGCCTGCAGGTTCTGAGTGTCTC[G>A]ATCCCGTCCCTGACCCTGCCCACTCCCAGGCCTCTCGTTAGACGTTCTCCTTTGGTGGGA-3'

ClinVar aggregate classification (germline): Uncertain significance (1 of 4 stars; one submission).

gnomAD v4.1: 9 of 1,613,930 alleles (0.00056%); highest among the groups gnomAD compares: Admixed American, 0.0033%; no homozygotes.

Submission:

Labcorp Genetics (formerly Invitae), Labcorp
Classification: Uncertain significance. Last evaluated: 2025-04-04. Review status: criteria provided, single submitter. Criteria: Invitae Variant Classification Sherloc (09022015). Collection method: clinical testing. Allele origin: germline.
Comment: This sequence change creates a premature translational stop signal (p.Arg167*) in the SNIP1 gene. It is expected to result in an absent or disrupted protein product. However, the current clinical and genetic evidence is not sufficient to establish whether loss-of-function variants in SNIP1 cause disease. This variant is present in population databases (no rsID available, gnomAD 0.003%). This variant has not been reported in the literature in individuals affected with SNIP1-related conditions. In summary, the available evidence is currently insufficient to determine the role of this variant in disease. Therefore, it has been classified as a Variant of Uncertain Significance.